The following is an entry in ClinVar:

NM_207352.4(CYP4V2):c.988-11T>A

Gene: CYP4V2 (cytochrome P450 family 4 subfamily V member 2; plus strand). Cytogenetic location: 4q35.2.
Variant type: single nucleotide variant.
Coding change: c.988-11T>A on transcript NM_207352.4 (MANE Select); 11 bases into the intron before coding-DNA position 988, T replaced by A.
Molecular consequence: intron variant.
Genome position (GRCh38, 1-based): chr4:186,205,189, T>A. VCF-style: chr4-186205189-T-A. GRCh37 (hg19) VCF-style: chr4-187126343-T-A.
Identifiers: ClinVar variation 2109092 (VCV002109092.4), dbSNP rs2478932589, ClinGen allele CA2580071706.

ClinVar aggregate classification (germline): Uncertain significance (1 of 4 stars; one submission).

Submission:

Labcorp Genetics (formerly Invitae), Labcorp
Classification: Uncertain significance. Last evaluated: 2022-03-11. Review status: criteria provided, single submitter. Criteria: Invitae Variant Classification Sherloc (09022015). Collection method: clinical testing. Allele origin: germline.
Comment: This sequence change falls in intron 7 of the CYP4V2 gene. It does not directly change the encoded amino acid sequence of the CYP4V2 protein. This variant is not present in population databases (gnomAD no frequency). This variant has not been reported in the literature in individuals affected with CYP4V2-related conditions. Algorithms developed to predict the effect of sequence changes on RNA splicing suggest that this variant may disrupt the consensus splice site. In summary, the available evidence is currently insufficient to determine the role of this variant in disease. Therefore, it has been classified as a Variant of Uncertain Significance.